The following is an entry in ClinVar:

NM_182914.3(SYNE2):c.20041C>T (p.Gln6681Ter)

Gene: SYNE2 (spectrin repeat containing nuclear envelope protein 2; plus strand). Cytogenetic location: 14q23.2.
Variant type: single nucleotide variant.
Coding change: c.20041C>T on transcript NM_182914.3 (MANE Select); coding-DNA position 20041, C replaced by T.
Protein change: p.Gln6681Ter; replaces glutamine 6681 with a stop codon.
Molecular consequence: nonsense.
Genome position (GRCh38, 1-based): chr14:64,220,617, C>T. VCF-style: chr14-64220617-C-T. GRCh37 (hg19) VCF-style: chr14-64687335-C-T.
Other names: c.19972C>T, p.Gln6658Ter (NM_015180.6); c.565C>T, p.Gln189Ter (NM_182910.2); c.943C>T, p.Gln315Ter (NM_182913.4); short protein forms Q189*, Q6681*, Q6658*, Q315*.
Identifiers: ClinVar variation 1523125 (VCV001523125.6), dbSNP rs2098689813, ClinGen allele CA389970225.
Genomic context (GRCh38, chr14:64,220,617, plus strand): 5'-CTGAGCCTGCTCTGGGAAGCAGCACAGGGCGCAGTGGACAGCTGGAGAGGGGGCTTACGA[C>T]AGTCGCTCATGCAGTGCCAGGTACGCTGACTCAGCAGCCCGCCTCCCAGAGCCGGTACCC-3'

ClinVar aggregate classification (germline): Uncertain significance (1 of 4 stars; one submission).

Conditions:
Emery-Dreifuss muscular dystrophy 5, autosomal dominant (EDMD5). Also called: EMERY-DREIFUSS MUSCULAR DYSTROPHY 5. Identifiers: Orphanet 261, MedGen C2751805, MONDO:0013072, OMIM 612999.

Submission:

Labcorp Genetics (formerly Invitae), Labcorp
Classification: Uncertain significance for Emery-Dreifuss muscular dystrophy 5, autosomal dominant. Last evaluated: 2021-10-06. Review status: criteria provided, single submitter. Criteria: Invitae Variant Classification Sherloc (09022015). Collection method: clinical testing. Allele origin: germline.
Comment: This sequence change creates a premature translational stop signal (p.Gln6681*) in the SYNE2 gene. It is expected to result in an absent or disrupted protein product. However, the current clinical and genetic evidence is not sufficient to establish whether loss-of-function variants in SYNE2 cause disease. In summary, the available evidence is currently insufficient to determine the role of this variant in disease. Therefore, it has been classified as a Variant of Uncertain Significance. This variant has not been reported in the literature in individuals affected with SYNE2-related conditions. This variant is not present in population databases (ExAC no frequency).